The following is an entry in ClinVar:

NM_000053.4(ATP7B):c.4060del (p.Met1354fs)

Gene: ATP7B (ATPase copper transporting beta; minus strand). Cytogenetic location: 13q14.3.
Variant type: Deletion.
Coding change: c.4060del on transcript NM_000053.4 (MANE Select); coding-DNA position 4060, one base deleted (A; older notation c.4060delA).
Protein change: p.Met1354fs; shifts the reading frame from methionine 1354.
Molecular consequence: frameshift variant.
Genome position (GRCh38, 1-based): chr13:51,935,657, T deleted on the plus strand (A on the coding strand, the reverse complement: ATP7B is on the minus strand). VCF-style (leftmost placement, unchanged base first): chr13-51935656-AT-A. GRCh37 (hg19) VCF-style: chr13-52509792-AT-A.
Other names: c.3439del, p.Met1147fs (NM_001005918.3); c.3727del, p.Met1243fs (NM_001243182.2); c.3826del, p.Met1276fs (NM_001330578.2, NM_001406527.1, NM_001406528.1); c.3808del, p.Met1270fs (NM_001330579.2, NM_001406531.1, NM_001406532.1); c.4060del, p.Met1354fs (NM_001406511.1, NM_001406512.1); c.4054del, p.Met1352fs (NM_001406513.1); c.4027del, p.Met1343fs (NM_001406514.1); c.4006del, p.Met1336fs (NM_001406515.1, NM_001406516.1); and 21 more; short protein forms M1192fs, M1205fs, M1211fs, M1270fs, M1295fs, M1336fs, M1352fs, M1354fs.
Identifiers: ClinVar variation 2823138 (VCV002823138.3), dbSNP rs2547551611, ClinGen allele CA2739277674.
Genomic context (GRCh38, chr13:51,935,656, plus strand): 5'-TTGAGCTGCAGGGATGAGAGCACCACAGACACAGAGGAGGCTGCCATGGCCGCTGAGCCC[AT>A]CCAGGGCTGCAGCACAATGCCGATGGGCATGAAGACACCTGGGGAAGAAAGAACTCGCAC-3'

ClinVar aggregate classification (germline): Pathogenic (1 of 4 stars; one submission).

Conditions:
Wilson disease (WND). Also called: Wilson's disease. Identifiers: Orphanet 905, MedGen C0019202, MONDO:0010200, OMIM 277900. Disease mechanism: loss of function.

Submission:

Labcorp Genetics (formerly Invitae), Labcorp
Classification: Pathogenic for Wilson disease. Last evaluated: 2023-04-11. Review status: criteria provided, single submitter. Criteria: Invitae Variant Classification Sherloc (09022015). Collection method: clinical testing. Allele origin: germline.
Comment: For these reasons, this variant has been classified as Pathogenic. This variant disrupts a region of the ATP7B protein in which other variant(s) (p.Ser1363Phe) have been determined to be pathogenic (PMID: 10544227, 21610751, 24094725). This suggests that this is a clinically significant region of the protein, and that variants that disrupt it are likely to be disease-causing. This variant has not been reported in the literature in individuals affected with ATP7B-related conditions. This variant is not present in population databases (gnomAD no frequency). This sequence change creates a premature translational stop signal (p.Met1354Trpfs*39) in the ATP7B gene. While this is not anticipated to result in nonsense mediated decay, it is expected to disrupt the last 112 amino acid(s) of the ATP7B protein.

Literature cited by the submitters: PubMed 10544227; PubMed 21610751; PubMed 24094725.